The following is an entry in ClinVar:

ClinVar aggregate classification (germline): Uncertain significance (1 of 4 stars; one submission).

Conditions:
ASIP-related condition.

gnomAD v4.1: 1 of 1,607,732 alleles (0.000062%); highest among the groups gnomAD compares: Admixed American, 0.0017%; no homozygotes.

Submission:

PreventionGenetics, part of Exact Sciences
Classification: Uncertain significance for ASIP-related condition. Last evaluated: 2025-05-13. Review status: criteria provided, single submitter. Criteria: ACMG Guidelines, 2015. Collection method: clinical testing. Allele origin: germline.
Comment: The ASIP c.240G>C variant is predicted to result in the amino acid substitution p.Lys80Asn. To our knowledge, this variant has not been reported in the literature. This variant is reported in 0.0030% of alleles in individuals of Latino descent in gnomAD. At this time, the clinical significance of this variant is uncertain due to the absence of conclusive functional and genetic evidence.

NM_001672.3(ASIP):c.240G>C (p.Lys80Asn)

Genes: AHCY (adenosylhomocysteinase; minus strand), ASIP (agouti signaling protein; plus strand). Cytogenetic location: 20q11.22.
Variant type: single nucleotide variant.
Coding change: c.240G>C on transcript NM_001672.3 (MANE Select); coding-DNA position 240, G replaced by C.
Protein change: p.Lys80Asn; replaces lysine 80 with asparagine.
Molecular consequence: missense variant.
Genome position (GRCh38, 1-based): chr20:34,269,008, G>C. VCF-style: chr20-34269008-G-C. GRCh37 (hg19) VCF-style: chr20-32856814-G-C.
Other names: c.240G>C, p.Lys80Asn (NM_001385218.1); short protein forms K80N.
Identifiers: ClinVar variation 5001246 (VCV005001246.1).